The following is an entry in ClinVar:

ClinVar aggregate classification (germline): Conflicting classifications of pathogenicity. Review status: criteria provided, conflicting classifications (1 of 4 stars). 3 submissions from 3 submitters: Uncertain significance (1); Likely benign (2). Last evaluated 2026-02-05.

Conditions:
Inborn genetic diseases. Identifiers: MedGen C0950123, MeSH D030342.
LAMA3-related disorder. Also called: LAMA3-related condition; LAMA3-related disorders.

Allele frequency attached by ClinVar (database versions not stated): TOPMed 0.00004; gnomAD 0.00005; ExAC 0.00007.
gnomAD v4.1: 40 of 1,614,154 alleles (0.0025%); highest among the groups gnomAD compares: East Asian, 0.089%; no homozygotes.

Submissions (3):

PreventionGenetics, part of Exact Sciences
Classification: Likely benign for LAMA3-related condition. Last evaluated: 2026-02-05. Review status: criteria provided, single submitter. Criteria: ACMG Guidelines, 2015. Collection method: clinical testing. Allele origin: germline.
Comment: This variant is classified as likely benign based on ACMG/AMP sequence variant interpretation guidelines (Richards et al. 2015 PMID: 25741868, with internal and published modifications).

Labcorp Genetics (formerly Invitae), Labcorp
Classification: Likely benign. Last evaluated: 2026-01-21. Review status: criteria provided, single submitter. Criteria: Invitae Variant Classification Sherloc (09022015). Collection method: clinical testing. Allele origin: germline.

Ambry Genetics
Classification: Uncertain significance for Inborn genetic diseases. Last evaluated: 2023-10-16. Review status: criteria provided, single submitter. Criteria: Ambry Variant Classification Scheme 2023. Collection method: clinical testing. Allele origin: germline.

NM_198129.4(LAMA3):c.9757C>G (p.Leu3253Val)

Gene: LAMA3 (laminin subunit alpha 3; plus strand). Cytogenetic location: 18q11.2.
Variant type: single nucleotide variant.
Coding change: c.9757C>G on transcript NM_198129.4 (MANE Select); coding-DNA position 9757, C replaced by G.
Protein change: p.Leu3253Val; replaces leucine 3253 with valine.
Molecular consequence: missense variant.
Genome position (GRCh38, 1-based): chr18:23,953,010, C>G. VCF-style: chr18-23953010-C-G. GRCh37 (hg19) VCF-style: chr18-21532974-C-G.
Other names: c.4930C>G, p.Leu1644Val (NM_000227.6); c.9589C>G, p.Leu3197Val (NM_001127717.4); c.4762C>G, p.Leu1588Val (NM_001127718.4); c.4930C>G (NM_000227.3, NM_000227.4); short protein forms L3197V, L1588V, L3253V, L1644V.
Identifiers: ClinVar variation 2138885 (VCV002138885.6), dbSNP rs754930340, ClinGen allele CA8917309.